The following is an entry in ClinVar:

ClinVar aggregate classification (germline): Uncertain significance (1 of 4 stars; one submission).

Conditions:
Hereditary cancer-predisposing syndrome. Also called: Neoplastic Syndromes, Hereditary; Hereditary neoplastic syndrome; Tumor predisposition; Hereditary Cancer Syndrome. Identifiers: Orphanet 140162, MedGen C0027672, MeSH D009386, MONDO:0015356.

Submission:

Ambry Genetics
Classification: Uncertain significance for Hereditary cancer-predisposing syndrome. Last evaluated: 2026-01-20. Review status: criteria provided, single submitter. Criteria: Ambry Variant Classification Scheme 2023. Collection method: clinical testing. Allele origin: germline.
Comment: The p.T367S variant (also known as c.1099A>T), located in coding exon 10 of the CHEK2 gene, results from an A to T substitution at nucleotide position 1099. The threonine at codon 367 is replaced by serine, an amino acid with similar properties. This amino acid position is conserved. In addition, the in silico prediction for this alteration is inconclusive. Based on the available evidence, the clinical significance of this variant remains unclear.

NM_007194.4(CHEK2):c.1099A>T (p.Thr367Ser)

Gene: CHEK2 (checkpoint kinase 2; minus strand). Cytogenetic location: 22q12.1.
Variant type: single nucleotide variant.
Coding change: c.1099A>T on transcript NM_007194.4 (MANE Select); coding-DNA position 1099, A replaced by T.
Protein change: p.Thr367Ser; replaces threonine 367 with serine.
Molecular consequence: missense variant.
Genome position (GRCh38, 1-based): chr22:28,695,870, T>A on the plus strand (A>T on the coding strand, the complement: CHEK2 is on the minus strand). VCF-style: chr22-28695870-T-A. GRCh37 (hg19) VCF-style: chr22-29091858-T-A.
Other names: c.1228A>T, p.Thr410Ser (NM_001005735.3); c.436A>T, p.Thr146Ser (NM_001257387.3, NM_001437942.1); c.898A>T, p.Thr300Ser (NM_001349956.3); c.1192A>T, p.Thr398Ser (NM_001438293.1); c.1141A>T, p.Thr381Ser (NM_001438294.1); c.1105A>T, p.Thr369Ser (NM_001438295.1); c.1012A>T, p.Thr338Ser (NM_145862.3); short protein forms T300S, T367S, T381S, T410S, T146S, T338S, T369S, T398S.
Identifiers: ClinVar variation 4824792 (VCV004824792.1).